The following is an entry in ClinVar:

NM_004415.4(DSP):c.1702-10C>A

Gene: DSP (desmoplakin; plus strand). Cytogenetic location: 6p24.3.
Variant type: single nucleotide variant.
Coding change: c.1702-10C>A on transcript NM_004415.4 (MANE Select); 10 bases into the intron before coding-DNA position 1702, C replaced by A.
Molecular consequence: intron variant.
Genome position (GRCh38, 1-based): chr6:7,571,373, C>A. VCF-style: chr6-7571373-C-A. GRCh37 (hg19) VCF-style: chr6-7571606-C-A.
Other names: c.1702-10C>A (NM_001319034.2, NM_001008844.3, LRG_423t1).
Identifiers: ClinVar variation 392842 (VCV000392842.7), dbSNP rs774406075, ClinGen allele CA029518.

ClinVar aggregate classification (germline): Likely benign. Review status: criteria provided, multiple submitters, no conflicts (2 of 4 stars). 3 submissions from 3 submitters: Likely benign (3). Last evaluated 2024-06-05.

Conditions:
Cardiomyopathy (CMYO). Also called: Cardiomyopathies. Identifiers: Orphanet 167848, MedGen C0878544, MONDO:0004994, HP:0001638. Inheritance: Various modes of inheritance.
Arrhythmogenic cardiomyopathy with wooly hair and keratoderma. Also called: Carvajal syndrome; Dilated cardiomyopathy with woolly hair and keratoderma; Arrhythmogenic cardiomyopathy with woolly hair and keratoderma; PALMOPLANTAR KERATODERMA WITH LEFT VENTRICULAR CARDIOMYOPATHY AND WOOLLY HAIR. Identifiers: Orphanet 65282, MedGen C1854063, MONDO:0011581, OMIM 605676.
Arrhythmogenic right ventricular dysplasia 8 (ARVD8). Also called: ARRHYTHMOGENIC RIGHT VENTRICULAR DYSPLASIA, FAMILIAL, 8; ARRHYTHMOGENIC RIGHT VENTRICULAR CARDIOMYOPATHY 8; Arrhythmogenic Right Ventricular Dysplasia/Cardiomyopathy 8. Identifiers: MedGen C1843896, MONDO:0011831, OMIM 607450.

Allele frequency attached by ClinVar (database versions not stated): gnomAD 0.00001; gnomAD exomes 0.00001 and 0.00002; TOPMed 0.00001; ExAC 0.00002.
gnomAD v4.1: 9 of 1,614,004 alleles (0.00056%); highest among the groups gnomAD compares: Admixed American, 0.015%; no homozygotes.

Submissions (3):

Labcorp Genetics (formerly Invitae), Labcorp
Classification: Likely benign for Arrhythmogenic cardiomyopathy with wooly hair and keratoderma; Arrhythmogenic right ventricular dysplasia 8. Last evaluated: 2024-06-05. Review status: criteria provided, single submitter. Criteria: Invitae Variant Classification Sherloc (09022015). Collection method: clinical testing. Allele origin: germline.

Color Diagnostics, LLC DBA Color Health
Classification: Likely benign for Cardiomyopathy. Last evaluated: 2024-02-05. Review status: criteria provided, single submitter. Criteria: ACMG Guidelines, 2015. Collection method: clinical testing. Allele origin: germline.

GeneDx
Classification: Likely benign. Last evaluated: 2017-01-08. Review status: criteria provided, single submitter. Criteria: GeneDx Variant Classification (06012015). Collection method: clinical testing. Allele origin: germline. Affected: yes.
Comment: This variant is considered likely benign or benign based on one or more of the following criteria: it is a conservative change, it occurs at a poorly conserved position in the protein, it is predicted to be benign by multiple in silico algorithms, and/or has population frequency not consistent with disease.